The following is an entry in ClinVar:

NM_031935.3(HMCN1):c.15283G>A (p.Gly5095Arg)

Gene: HMCN1 (hemicentin 1; plus strand). Cytogenetic location: 1q31.1.
Variant type: single nucleotide variant.
Coding change: c.15283G>A on transcript NM_031935.3 (MANE Select); coding-DNA position 15283, G replaced by A.
Protein change: p.Gly5095Arg; replaces glycine 5095 with arginine.
Molecular consequence: missense variant.
Genome position (GRCh38, 1-based): chr1:186,165,137, G>A. VCF-style: chr1-186165137-G-A. GRCh37 (hg19) VCF-style: chr1-186134269-G-A.
Other names: short protein forms G5095R.
Identifiers: ClinVar variation 294287 (VCV000294287.10), dbSNP rs373876634, ClinGen allele CA1295206.

ClinVar aggregate classification (germline): Uncertain significance. Review status: criteria provided, multiple submitters, no conflicts (2 of 4 stars). 3 submissions from 3 submitters: Uncertain significance (3). Last evaluated 2023-05-15.

Conditions:
Age related macular degeneration 1 (ARMD1). Also called: MACULOPATHY, AGE-RELATED, 1. Identifiers: MedGen C1864205, MONDO:0011285, OMIM 603075.

Allele frequency attached by ClinVar (database versions not stated): ExAC 0.00002; gnomAD 0.00003; gnomAD exomes 0.00003; TOPMed 0.00005; ESP Exome Variant Server 0.00015.
gnomAD v4.1: 87 of 1,613,864 alleles (0.0054%); highest among the groups gnomAD compares: Middle Eastern, 0.016%; no homozygotes.

Submissions (3):

Labcorp Genetics (formerly Invitae), Labcorp
Classification: Uncertain significance. Last evaluated: 2023-05-15. Review status: criteria provided, single submitter. Criteria: Invitae Variant Classification Sherloc (09022015). Collection method: clinical testing. Allele origin: germline.
Comment: In summary, the available evidence is currently insufficient to determine the role of this variant in disease. Therefore, it has been classified as a Variant of Uncertain Significance. Algorithms developed to predict the effect of sequence changes on RNA splicing suggest that this variant may disrupt the consensus splice site. An algorithm developed to predict the effect of missense changes on protein structure and function (PolyPhen-2) suggests that this variant is likely to be disruptive. ClinVar contains an entry for this variant (Variation ID: 294287). This variant has not been reported in the literature in individuals affected with HMCN1-related conditions. This variant is present in population databases (rs373876634, gnomAD 0.02%). This sequence change replaces glycine, which is neutral and non-polar, with arginine, which is basic and polar, at codon 5095 of the HMCN1 protein (p.Gly5095Arg).

Genome-Nilou Lab
Classification: Uncertain significance for Age related macular degeneration 1. Last evaluated: 2023-04-11. Review status: criteria provided, single submitter. Criteria: ACMG Guidelines, 2015. Collection method: clinical testing. Allele origin: germline. Affected: no.

Illumina Laboratory Services, Illumina
Classification: Uncertain significance for Age related macular degeneration 1. Last evaluated: 2018-01-12. Review status: criteria provided, single submitter. Criteria: ICSL Variant Classification Criteria 13 December 2019. Collection method: clinical testing. Allele origin: germline.